The following is an entry in ClinVar:

NM_000350.3(ABCA4):c.50T>C (p.Leu17Pro)

Gene: ABCA4 (ATP binding cassette subfamily A member 4; minus strand). Cytogenetic location: 1p22.1.
Variant type: single nucleotide variant.
Coding change: c.50T>C on transcript NM_000350.3 (MANE Select); coding-DNA position 50, T replaced by C.
Protein change: p.Leu17Pro; replaces leucine 17 with proline.
Molecular consequence: missense variant.
Genome position (GRCh38, 1-based): chr1:94,120,996, A>G on the plus strand (T>C on the coding strand, the complement: ABCA4 is on the minus strand). VCF-style: chr1-94120996-A-G. GRCh37 (hg19) VCF-style: chr1-94586552-A-G.
Other names: c.50T>C, p.Leu17Pro (NM_001425324.1); short protein forms L17P.
Identifiers: ClinVar variation 1460979 (VCV001460979.6), dbSNP rs1322362097, ClinGen allele CA341288613.
Genomic context (GRCh38, chr1:94,120,996, plus strand): 5'-TTTGCTCCACACCTCATTTTTAAACCACAGACAGTAACTGTTACCTTTTGCCTTTTCCGC[A>G]GGGTCCAGTTCTTCCAGAGCAAAAGCTGTATCTGTCTCACGAAGCCCATGCTAATGACCA-3'
Protein context (NP_000341.2, residues 7-27): IQLLLWKNWT[Leu17Pro]RKRQKIRFVV

ClinVar aggregate classification (germline): Uncertain significance (1 of 4 stars; one submission).

Allele frequency attached by ClinVar (database versions not stated): gnomAD exomes below 0.00001.
gnomAD v4.1: 1 of 1,605,582 alleles (0.000062%); highest among the groups gnomAD compares: Non-Finnish European, 0.000085%; no homozygotes.

Submission:

Labcorp Genetics (formerly Invitae), Labcorp
Classification: Uncertain significance. Last evaluated: 2021-10-29. Review status: criteria provided, single submitter. Criteria: Invitae Variant Classification Sherloc (09022015). Collection method: clinical testing. Allele origin: germline.
Comment: This sequence change replaces leucine, which is neutral and non-polar, with proline, which is neutral and non-polar, at codon 17 of the ABCA4 protein (p.Leu17Pro). This variant is present in population databases (no rsID available, gnomAD 0.007%). This variant has not been reported in the literature in individuals affected with ABCA4-related conditions. Advanced modeling of protein sequence and biophysical properties (such as structural, functional, and spatial information, amino acid conservation, physicochemical variation, residue mobility, and thermodynamic stability) performed at Invitae indicates that this missense variant is expected to disrupt ABCA4 protein function. In summary, the available evidence is currently insufficient to determine the role of this variant in disease. Therefore, it has been classified as a Variant of Uncertain Significance.